The following is an entry in ClinVar:

NM_001079802.2(FKTN):c.964A>T (p.Ile322Phe)

Gene: FKTN (fukutin; plus strand). Cytogenetic location: 9q31.2.
Variant type: single nucleotide variant.
Coding change: c.964A>T on transcript NM_001079802.2 (MANE Select); coding-DNA position 964, A replaced by T.
Protein change: p.Ile322Phe; replaces isoleucine 322 with phenylalanine.
Molecular consequence: missense variant. On other transcripts: non-coding transcript variant (1).
Genome position (GRCh38, 1-based): chr9:105,618,012, A>T. VCF-style: chr9-105618012-A-T. GRCh37 (hg19) VCF-style: chr9-108380293-A-T.
Other names: c.964A>T, p.Ile322Phe (NM_001198963.2, NM_001351496.2, NM_001351498.2 and 1 more transcripts); c.895A>T, p.Ile299Phe (NM_001351497.2); c.568A>T, p.Ile190Phe (NM_001351499.2, NM_001351500.2, NM_001351501.2 and 1 more transcripts); short protein forms I190F, I322F, I299F.
Identifiers: ClinVar variation 2120103 (VCV002120103.4), dbSNP rs2539710169, ClinGen allele CA374377498.

ClinVar aggregate classification (germline): Uncertain significance (1 of 4 stars; one submission).

Conditions:
Walker-Warburg congenital muscular dystrophy. Also called: Muscular dystrophy-dystroglycanopathy, type A; Walker-Warburg syndrome. Identifiers: Orphanet 899, MedGen C0265221, MONDO:0000171.

Submission:

Labcorp Genetics (formerly Invitae), Labcorp
Classification: Uncertain significance for Walker-Warburg congenital muscular dystrophy. Last evaluated: 2022-04-01. Review status: criteria provided, single submitter. Criteria: Invitae Variant Classification Sherloc (09022015). Collection method: clinical testing. Allele origin: germline.
Comment: In summary, the available evidence is currently insufficient to determine the role of this variant in disease. Therefore, it has been classified as a Variant of Uncertain Significance. Algorithms developed to predict the effect of missense changes on protein structure and function are either unavailable or do not agree on the potential impact of this missense change (SIFT: "Deleterious"; PolyPhen-2: "Possibly Damaging"; Align-GVGD: "Class C0"). This variant has not been reported in the literature in individuals affected with FKTN-related conditions. This variant is not present in population databases (gnomAD no frequency). This sequence change replaces isoleucine, which is neutral and non-polar, with phenylalanine, which is neutral and non-polar, at codon 322 of the FKTN protein (p.Ile322Phe).